The following is an entry in ClinVar:

ClinVar aggregate classification (germline): Conflicting classifications of pathogenicity. Review status: criteria provided, conflicting classifications (1 of 4 stars). 8 submissions from 8 submitters: Uncertain significance (7); Likely benign (1). Last evaluated 2026-07-02.

Conditions:
BRIP1-related disorder. Also called: BRIP1-related condition; BRIP1-related disorders. Identifiers: MedGen CN239206.
Hereditary cancer-predisposing syndrome. Also called: Neoplastic Syndromes, Hereditary; Tumor predisposition; Hereditary Cancer Syndrome; Hereditary neoplastic syndrome. Identifiers: Orphanet 140162, MedGen C0027672, MeSH D009386, MONDO:0015356.
Familial cancer of breast. Also called: hereditary breast carcinoma; Hereditary breast cancer; BREAST CANCER, FAMILIAL. Identifiers: Orphanet 227535, MedGen C0346153, MONDO:0016419, OMIM 114480. Disease mechanism: loss of function.
Fanconi anemia complementation group J. Also called: BRIP1-Related Fanconi Anemia. Identifiers: Orphanet 84, MedGen C1836860, MONDO:0012187, OMIM 609054.

Submissions (8):

PreventionGenetics, part of Exact Sciences
Classification: Uncertain significance for BRIP1-related condition. Last evaluated: 2026-07-02. Review status: criteria provided, single submitter. Criteria: ACMG Guidelines, 2015. Collection method: clinical testing. Allele origin: germline.
Comment: The BRIP1 c.993G>A variant is predicted to result in the amino acid substitution p.Met331Ile. To our knowledge, this variant has not been reported in the literature or in a large population database (gnomAD), indicating it is rare. It has conflicting interpretations in ClinVar ranging from likely benign to uncertain (Variation ID: 128199). At this time, the clinical significance of this variant is uncertain due to the absence of conclusive functional and genetic evidence.

Labcorp Genetics (formerly Invitae), Labcorp
Classification: Uncertain significance for Familial cancer of breast; Fanconi anemia complementation group J. Last evaluated: 2026-01-31. Review status: criteria provided, single submitter. Criteria: Invitae Variant Classification Sherloc (09022015). Collection method: clinical testing. Allele origin: germline.
Comment: This sequence change replaces methionine, which is neutral and non-polar, with isoleucine, which is neutral and non-polar, at codon 331 of the BRIP1 protein (p.Met331Ile). This variant is not present in population databases (gnomAD no frequency). This variant has not been reported in the literature in individuals affected with BRIP1-related conditions. ClinVar contains an entry for this variant (Variation ID: 128199). Invitae Evidence Modeling of protein sequence and biophysical properties (such as structural, functional, and spatial information, amino acid conservation, physicochemical variation, residue mobility, and thermodynamic stability) indicates that this missense variant is not expected to disrupt BRIP1 protein function with a negative predictive value of 95%. In summary, the available evidence is currently insufficient to determine the role of this variant in disease. Therefore, it has been classified as a Variant of Uncertain Significance.

Women's Health and Genetics/Laboratory Corporation of America, LabCorp
Classification: Uncertain significance. Last evaluated: 2025-04-07. Review status: criteria provided, single submitter. Criteria: LabCorp Variant Classification Summary - May 2015. Collection method: clinical testing. Allele origin: germline.

Center for Genomic Medicine, Rigshospitalet, Copenhagen University Hospital
Classification: Uncertain significance. Last evaluated: 2025-03-04. Review status: criteria provided, single submitter. Criteria: ACMG Guidelines, 2015. Collection method: clinical testing. Allele origin: germline.

Ambry Genetics
Classification: Likely benign for Hereditary cancer-predisposing syndrome. Last evaluated: 2025-02-10. Review status: criteria provided, single submitter. Criteria: Ambry Variant Classification Scheme 2023. Collection method: clinical testing. Allele origin: germline.

Color Diagnostics, LLC DBA Color Health
Classification: Uncertain significance for Hereditary cancer-predisposing syndrome. Last evaluated: 2024-03-06. Review status: criteria provided, single submitter. Criteria: ACMG Guidelines, 2015. Collection method: clinical testing. Allele origin: germline.
Comment: his missense variant replaces methionine with isoleucine at codon 331 of the BRIP1 protein. Computational prediction suggests that this variant may not impact protein structure and function (internally defined REVEL score threshold <= 0.5, PMID: 27666373). To our knowledge, functional studies have not been performed for this variant. This variant has not been reported in individuals affected with hereditary cancer in the literature. This variant has not been identified in the general population by the Genome Aggregation Database (gnomAD). The available evidence is insufficient to determine the role of this variant in disease conclusively. Therefore, this variant is classified as a Variant of Uncertain Significance.

Quest Diagnostics Nichols Institute San Juan Capistrano
Classification: Uncertain significance. Last evaluated: 2023-08-24. Review status: criteria provided, single submitter. Criteria: Quest Diagnostics criteria. Collection method: clinical testing. Allele origin: unknown.
Comment: This variant has not been reported in the published literature. It also has not been reported in large, multi-ethnic general populations (Genome Aggregation Database). Analysis of this variant using bioinformatics tools for the prediction of the effect of amino acid changes on protein structure and function yielded predictions that this variant is benign. Based on the available information, we are unable to determine the clinical significance of this variant.

GeneDx
Classification: Uncertain significance. Last evaluated: 2019-09-12. Review status: criteria provided, single submitter. Criteria: GeneDx Variant Classification Process June 2021. Collection method: clinical testing. Allele origin: germline. Affected: yes.
Comment: Not observed in large population cohorts (Lek et al., 2016); Has not been previously published as pathogenic or benign to our knowledge

NM_032043.3(BRIP1):c.993G>A (p.Met331Ile)

Gene: BRIP1 (BRCA1 interacting DNA helicase 1; minus strand). Cytogenetic location: 17q23.2.
Variant type: single nucleotide variant.
Coding change: c.993G>A on transcript NM_032043.3 (MANE Select); coding-DNA position 993, G replaced by A.
Protein change: p.Met331Ile; replaces methionine 331 with isoleucine.
Molecular consequence: missense variant.
Genome position (GRCh38, 1-based): chr17:61,801,400, C>T on the plus strand (G>A on the coding strand, the complement: BRIP1 is on the minus strand). VCF-style: chr17-61801400-C-T. GRCh37 (hg19) VCF-style: chr17-59878761-C-T.
Other names: p.M331I:ATG>ATA; short protein forms M331I.
Identifiers: ClinVar variation 128199 (VCV000128199.34), dbSNP rs587780252, ClinGen allele CA288615.